The following is an entry in ClinVar:

ClinVar aggregate classification (germline): Likely pathogenic. Review status: criteria provided, multiple submitters, no conflicts (2 of 4 stars). 7 submissions from 6 submitters: Likely pathogenic (6). 1 of the submissions does not count toward it. Last evaluated 2026-06-16.

Conditions:
Autosomal recessive limb-girdle muscular dystrophy type 2J (LGMDR10). Also called: Limb-girdle muscular dystrophy, type 2J; MUSCULAR DYSTROPHY, LIMB-GIRDLE, AUTOSOMAL RECESSIVE 10. Identifiers: Orphanet 140922, MedGen C1837342, MONDO:0012127, OMIM 608807.
Dilated cardiomyopathy 1G (CMD1G). Identifiers: Orphanet 154, MedGen C1858763, MONDO:0011400, OMIM 604145.
TTN-related disorder. Also called: TTN-related condition; TTN-related disease; TTN-related disorders.
Early-onset myopathy with fatal cardiomyopathy (CMYO5). Also called: CONGENITAL MYOPATHY 5 WITH CARDIOMYOPATHY; Salih Myopathy. Identifiers: Orphanet 289377, MedGen C2673677, MONDO:0012714, OMIM 611705. Disease mechanism: loss of function.
Hypertrophic cardiomyopathy 9. Also called: Familial hypertrophic cardiomyopathy 9. Identifiers: MedGen C1861065, MONDO:0013412, OMIM 613765.
Tibial muscular dystrophy (TMD). Also called: Tibial muscular dystrophy, tardive; Udd Distal Myopathy – Tibial Muscular Dystrophy; UDD MYOPATHY. Identifiers: Orphanet 609, MedGen C1838244, MONDO:0010870, OMIM 600334.
Myopathy, myofibrillar, 9, with early respiratory failure (MFM9). Also called: Hereditary myopathy with early respiratory failure; EDSTROM MYOPATHY; MYOPATHY, PROXIMAL, WITH EARLY RESPIRATORY MUSCLE INVOLVEMENT; Myopathy, distal, with early respiratory failure, autosomal dominant. Identifiers: Orphanet 178464, Orphanet 34521, MedGen C1863599, MONDO:0011362, OMIM 603689.
Cardiovascular phenotype. Identifiers: MedGen CN230736.

Submissions (7):

Ambry Genetics
Classification: Likely pathogenic for Cardiovascular phenotype. Last evaluated: 2026-06-16. Review status: criteria provided, single submitter. Criteria: Ambry Variant Classification Scheme 2023. Collection method: clinical testing. Allele origin: germline.
Comment: The c.39971_39972delAT (p.Y13324Cfs*6) alteration, located in exon 146 (coding exon 145) of the TTN gene, consists of a deletion of 2 nucleotides from position 39971 to 39972, causing a translational frameshift with a predicted alternate stop codon after 6 amino acids. This variant is expected to result in loss of function by premature protein truncation or nonsense-mediated mRNA decay. This variant was not reported in population-based cohorts in the Genome Aggregation Database (gnomAD). This exon is located in the A-band region of the N2-B isoform of the titin protein and is constitutively expressed in TTN transcripts (percent spliced in or PSI 100%). While truncating variants in TTN are present in 1-3% of the general population, truncating variants in the A-band are the most common cause of dilated cardiomyopathy (Herman, 2012; Roberts, 2015). TTN truncating variants encoded in constitutive exons (PSI >90%) have been found to be significantly associated with DCM regardless of their position in titin (Schafer, 2017; Akhtar, 2020; Massier, 2025). Based on the available evidence, this alteration is classified as likely pathogenic.

Labcorp Genetics (formerly Invitae), Labcorp
Classification: Likely pathogenic for Dilated cardiomyopathy 1G; Autosomal recessive limb-girdle muscular dystrophy type 2J. Last evaluated: 2025-11-10. Review status: criteria provided, single submitter. Criteria: Invitae Variant Classification Sherloc (09022015). Collection method: clinical testing. Allele origin: germline.
Comment: This sequence change creates a premature translational stop signal (p.Tyr22389Cysfs*6) in the TTN gene. While this is not anticipated to result in nonsense mediated decay, it is expected to create a truncated TTN protein. This variant is not present in population databases (gnomAD no frequency). This premature translational stop signal has been observed in individual(s) with dilated cardiomyopathy (internal data). ClinVar contains an entry for this variant (Variation ID: 466652). This variant is located in the A band of TTN (PMID: 25589632). Truncating variants in this region are significantly overrepresented in patients affected with dilated cardiomyopathy (PMID: 25589632). Truncating variants in this region have also been reported in individuals affected with autosomal recessive centronuclear myopathy (PMID: 23975875). In summary, the currently available evidence indicates that the variant is pathogenic, but additional data are needed to prove that conclusively. Therefore, this variant has been classified as Likely Pathogenic.

Molecular Diagnostic Laboratory for Inherited Cardiovascular Disease, Montreal Heart Institute
Classification: Likely pathogenic for Cardiovascular phenotype. Last evaluated: 2025-04-16. Review status: criteria provided, single submitter. Criteria: ACMG Guidelines, 2015. Collection method: clinical testing. Allele origin: germline. Affected: yes.
Comment: PVS1, PM2

AiLife Diagnostics
Classification: Likely pathogenic. Last evaluated: 2022-02-16. Review status: criteria provided, single submitter. Criteria: ACMG Guidelines, 2015. Collection method: clinical testing. Allele origin: germline. Affected: yes. Observed: 1 variant allele.

Fulgent Genetics
Classification: Likely pathogenic for Tibial muscular dystrophy; Myopathy, myofibrillar, 9, with early respiratory failure; Dilated cardiomyopathy 1G; Autosomal recessive limb-girdle muscular dystrophy type 2J; Early-onset myopathy with fatal cardiomyopathy; Hypertrophic cardiomyopathy 9. Last evaluated: 2021-10-05. Review status: criteria provided, single submitter. Criteria: ACMG Guidelines, 2015. Collection method: clinical testing. Allele origin: unknown.

Labcorp Genetics (formerly Invitae), Labcorp
Classification: Likely pathogenic for Dilated cardiomyopathy 1G. Last evaluated: 2017-06-03. Review status: criteria provided, single submitter. Criteria: Invitae Variant Classification Sherloc (09022015). Collection method: clinical testing. Allele origin: germline.
Comment: This sequence change deletes 2 nucleotide from exon 318 of the TTN mRNA (c.67166_67167delAT), causing a frameshift at codon 22389. This sequence change creates a premature translational stop signal (p.Tyr22389Cysfs*6) in the TTN gene. It is expected to result in an absent or disrupted protein product. This variant is not present in population databases (ExAC no frequency). This variant is found in the A-band of this gene. While this particular variant has not been reported in the literature, truncating variants in the A-band of TTN are significantly overrepresented in patients with dilated cardiomyopathy and are considered to be likely pathogenic for the disease (PMID: 25589632). For these reasons, this variant has been classified as Likely Pathogenic.

PreventionGenetics, part of Exact Sciences
Classification: Likely pathogenic for TTN-related condition. Last evaluated: 2024-03-25. Review status: no assertion criteria provided. Collection method: clinical testing. Allele origin: germline. Not counted in ClinVar's aggregate classification.
Comment: The TTN c.67166_67167delAT variant is predicted to result in a frameshift and premature protein termination (p.Tyr22389Cysfs*6). To our knowledge, this variant has not been reported in the literature or in a large population database, indicating this variant is rare. This variant is located in the A-band region of the protein in which truncating TTN variants have been found more frequently in dilated cardiomyopathy patients than in controls (Herman et al. 2012. PubMed ID: 22335739). RNAseq studies from heart tissue indicate this exon is commonly included in TTN mRNA transcripts (PSI of 92-100%); however, this analysis in muscle tissue was not performed (Roberts et al. 2015. PMID: 25589632). TTN truncating variants are reported in 1-2% of presumably healthy individuals, but occur more frequently in exons with low PSI values (Roberts A.M. et al. 2015. PMID: 25589632; Herman D.S. et al. 2012. PMID: 22335739). This variant is considered likely pathogenic for increased risk of TTN-related cardiac disorders, and also for autosomal recessive severe congenital titinopathies when in the presence of an additional loss-of-function TTN variant. Of note, TTN truncating variants show incomplete and age-dependent penetrance in regards to autosomal dominant dilated cardiomyopathy. ACMG has recommended the reporting of TTN truncating variants in highly expressed exons due to the significant risk of cardiomyopathy (see ACMG statement in Miller et al. 2021. PubMed ID: 34012068).

Literature cited by the submitters: PubMed 25589632 (cited by Labcorp Genetics (formerly Invitae), Labcorp); PubMed 23975875 (cited by Labcorp Genetics (formerly Invitae), Labcorp).

NM_001267550.2(TTN):c.67166_67167del (p.Tyr22389fs)

Genes: TTN (titin; minus strand), TTN-AS1 (TTN antisense RNA 1; plus strand). Cytogenetic location: 2q31.2.
Variant type: Deletion.
Coding change: c.67166_67167del on transcript NM_001267550.2 (MANE Select); coding-DNA positions 67166 to 67167, 2 bases deleted (AT; older notation c.67166_67167delAT).
Protein change: p.Tyr22389fs; shifts the reading frame from tyrosine 22389.
Molecular consequence: frameshift variant.
Genome position (GRCh38, 1-based): chr2:178,580,120-178,580,121, AT deleted on the plus strand (AT on the coding strand, the reverse complement: TTN is on the minus strand); deleting any 2 consecutive bases within chr2:178,580,120-178,580,122 gives the same sequence; the c. name uses the placement nearest the transcript's 3' end. VCF-style (leftmost placement, unchanged base first): chr2-178580119-CAT-C. GRCh37 (hg19) VCF-style: chr2-179444846-CAT-C.
Other names: c.62243_62244del, p.Tyr20748fs (NM_001256850.1); c.39971_39972del, p.Tyr13324fs (NM_003319.4); c.59462_59463del, p.Tyr19821fs (NM_133378.4); c.40346_40347del, p.Tyr13449fs (NM_133432.3); c.40547_40548del, p.Tyr13516fs (NM_133437.4); c.67166_67167delAT (NM_001267550.2); c.39971_39972delAT (NM_003319.4); short protein forms Y13516fs, Y19821fs, Y20748fs, Y22389fs, Y13324fs, Y13449fs.
Identifiers: ClinVar variation 466652 (VCV000466652.15), dbSNP rs1476017129, ClinGen allele CA658657150.